The following is an entry in ClinVar:

NM_001972.4(ELANE):c.236C>T (p.Ala79Val)

Gene: ELANE (elastase, neutrophil expressed; plus strand). Cytogenetic location: 19p13.3.
Variant type: single nucleotide variant.
Coding change: c.236C>T on transcript NM_001972.4 (MANE Select); coding-DNA position 236, C replaced by T.
Protein change: p.Ala79Val; replaces alanine 79 with valine.
Molecular consequence: missense variant.
Genome position (GRCh38, 1-based): chr19:853,273, C>T. VCF-style: chr19-853273-C-T. GRCh37 (hg19) VCF-style: chr19-853273-C-T.
Other names: short protein forms A79V.
Identifiers: ClinVar variation 3766900 (VCV003766900.2).
Genomic context (GRCh38, chr19:853,273, plus strand): 5'-CCCCGACCCCCGGGGCCGCCCCTGAGCCCCGCCTCTCCCTCCCCGGCAGAAACGTCCGCG[C>T]GGTGCGGGTGGTCCTGGGAGCCCATAACCTCTCGCGGCGGGAGCCCACCCGGCAGGTGTT-3'
Protein context (NP_001963.1, residues 69-89): AHCVANVNVR[Ala79Val]VRVVLGAHNL

ClinVar aggregate classification (germline): Conflicting classifications of pathogenicity. Review status: criteria provided, conflicting classifications (1 of 4 stars). 2 submissions from 2 submitters: Uncertain significance (1); Likely benign (1). Last evaluated 2025-04-06.

Conditions:
Inborn genetic diseases. Identifiers: MedGen C0950123, MeSH D030342.

Submissions (2):

Ambry Genetics
Classification: Likely benign for Inborn genetic diseases. Last evaluated: 2025-04-06. Review status: criteria provided, single submitter. Criteria: Ambry Variant Classification Scheme 2023. Collection method: clinical testing. Allele origin: germline.

ARUP Laboratories, Molecular Genetics and Genomics, ARUP Laboratories
Classification: Uncertain significance. Last evaluated: 2024-10-16. Review status: criteria provided, single submitter. Criteria: ARUP Molecular Germline Variant Investigation Process 2024. Collection method: clinical testing. Allele origin: germline.
Comment: The ELANE c.236C>T; p.Ala79Val variant (rs201882944), to our knowledge, is not reported in the medical literature. This variant is found in the South Asian population with an allele frequency of 0.014% (4/28998 alleles) in the Genome Aggregation Database (v2.1.1). Other amino acid substitutions at this codon (p.Ala79Thr, p.Ala79Ser, p.Ala79Pro) have been reported in ClinVar (Variation IDs: 2542246, 618080, 535844), but the significance of these variants is uncertain. Computational analyses are uncertain whether this variant is neutral or deleterious (REVEL: 0.171). Due to limited information, the clinical significance of this variant is uncertain at this time.